The following is an entry in ClinVar:

NR_157842.1:n.392T>C

Variant type: single nucleotide variant.
Molecular consequence: non-coding transcript variant (on NR_157842.1).
Genome position: GRCh38 VCF-style: chr5-177803260-A-G. GRCh37 (hg19) VCF-style: chr5-177230261-A-G.
Identifiers: ClinVar variation 2656125 (VCV002656125.23), dbSNP rs568895497, ClinGen allele CA132838248.

ClinVar aggregate classification (germline): Likely benign (1 of 4 stars; one submission).

Submission:

CeGaT Center for Human Genetics Tuebingen
Classification: Likely benign. Last evaluated: 2022-11-01. Review status: criteria provided, single submitter. Criteria: CeGaT Center For Human Genetics Tuebingen Variant Classification Criteria Version 2. Collection method: clinical testing. Allele origin: germline. Affected: yes. Observed: 1 variant allele.
Comment: ENSG00000249109: BS2